The following is an entry in ClinVar:

ClinVar aggregate classification (germline): Uncertain significance. Review status: criteria provided, single submitter (1 of 4 stars). 2 submissions from 2 submitters: Uncertain significance (1). 1 of the submissions does not count toward it. Last evaluated 2024-09-03.

Conditions:
SASH1-related disorder. Also called: SASH1-related condition.
Inborn genetic diseases. Identifiers: MedGen C0950123, MeSH D030342.

Allele frequency attached by ClinVar (database versions not stated): ExAC 0.00042; TOPMed 0.00143; gnomAD 0.00153; ESP Exome Variant Server 0.00154; 1000 Genomes Project 0.00160; 1000 Genomes Project 30x 0.00172.
gnomAD v4.1: 451 of 1,613,982 alleles (0.028%); highest among the groups gnomAD compares: African/African-American, 0.54%; no homozygotes.

Submissions (2):

Ambry Genetics
Classification: Uncertain significance for Inborn genetic diseases. Last evaluated: 2024-09-03. Review status: criteria provided, single submitter. Criteria: Ambry Variant Classification Scheme 2023. Collection method: clinical testing. Allele origin: germline.

PreventionGenetics, part of Exact Sciences
Classification: Likely benign for SASH1-related condition. Last evaluated: 2019-06-26. Review status: no assertion criteria provided. Collection method: clinical testing. Allele origin: germline. Not counted in ClinVar's aggregate classification.
Comment: This variant is classified as likely benign based on ACMG/AMP sequence variant interpretation guidelines (Richards et al. 2015 PMID: 25741868, with internal and published modifications).

NM_015278.5(SASH1):c.1880G>A (p.Arg627His)

Gene: SASH1 (SAM and SH3 domain containing 1; plus strand). Cytogenetic location: 6q25.1.
Variant type: single nucleotide variant.
Coding change: c.1880G>A on transcript NM_015278.5 (MANE Select); coding-DNA position 1880, G replaced by A.
Protein change: p.Arg627His; replaces arginine 627 with histidine.
Molecular consequence: missense variant.
Genome position (GRCh38, 1-based): chr6:148,533,916, G>A. VCF-style: chr6-148533916-G-A. GRCh37 (hg19) VCF-style: chr6-148855052-G-A.
Other names: c.1745G>A, p.Arg582His (NM_001346505.2); c.1508G>A, p.Arg503His (NM_001346506.2); c.1163G>A, p.Arg388His (NM_001346507.2); c.1652G>A, p.Arg551His (NM_001346508.2); c.1529G>A, p.Arg510His (NM_001346509.2); c.1880G>A (NM_015278.3); short protein forms R388H, R503H, R510H, R551H, R582H, R627H.
Identifiers: ClinVar variation 3043190 (VCV003043190.3), dbSNP rs142772838, ClinGen allele CA4040453.